The following is an entry in ClinVar:

NM_181534.4(KRT25):c.215G>C (p.Arg72Pro)

Gene: KRT25 (keratin 25; minus strand). Cytogenetic location: 17q21.2.
Variant type: single nucleotide variant.
Coding change: c.215G>C on transcript NM_181534.4 (MANE Select); coding-DNA position 215, G replaced by C.
Protein change: p.Arg72Pro; replaces arginine 72 with proline.
Molecular consequence: missense variant.
Genome position (GRCh38, 1-based): chr17:40,755,057, C>G on the plus strand (G>C on the coding strand, the complement: KRT25 is on the minus strand). VCF-style: chr17-40755057-C-G. GRCh37 (hg19) VCF-style: chr17-38911309-C-G.
Other names: c.215G>C (NM_181534.3); short protein forms R72P.
Identifiers: ClinVar variation 2976895 (VCV002976895.4), dbSNP rs763818307, ClinGen allele CA8546444.

ClinVar aggregate classification (germline): Uncertain significance. Review status: criteria provided, multiple submitters, no conflicts (2 of 4 stars). 2 submissions from 2 submitters: Uncertain significance (2). Last evaluated 2025-06-24.

gnomAD v4.1: 39 of 1,614,158 alleles (0.0024%); highest among the groups gnomAD compares: Middle Eastern, 0.016%; no homozygotes.

Submissions (2):

Ambry Genetics
Classification: Uncertain significance. Last evaluated: 2025-06-24. Review status: criteria provided, single submitter. Criteria: Ambry Variant Classification Scheme 2023. Collection method: clinical testing. Allele origin: germline.

Labcorp Genetics (formerly Invitae), Labcorp
Classification: Uncertain significance. Last evaluated: 2022-12-04. Review status: criteria provided, single submitter. Criteria: Invitae Variant Classification Sherloc (09022015). Collection method: clinical testing. Allele origin: germline.
Comment: This sequence change replaces arginine, which is basic and polar, with proline, which is neutral and non-polar, at codon 72 of the KRT25 protein (p.Arg72Pro). This variant has not been reported in the literature in individuals affected with KRT25-related conditions. This variant is present in population databases (rs763818307, gnomAD 0.02%). Advanced modeling of protein sequence and biophysical properties (such as structural, functional, and spatial information, amino acid conservation, physicochemical variation, residue mobility, and thermodynamic stability) performed at Invitae indicates that this missense variant is not expected to disrupt KRT25 protein function. In summary, the available evidence is currently insufficient to determine the role of this variant in disease. Therefore, it has been classified as a Variant of Uncertain Significance.